The following is an entry in ClinVar:

NM_001005498.4(RHBDF2):c.2053T>C (p.Tyr685His)

Gene: RHBDF2 (rhomboid 5 homolog 2; minus strand). Cytogenetic location: 17q25.1.
Variant type: single nucleotide variant.
Coding change: c.2053T>C on transcript NM_001005498.4 (MANE Select); coding-DNA position 2053, T replaced by C.
Protein change: p.Tyr685His; replaces tyrosine 685 with histidine.
Molecular consequence: missense variant. On other transcripts: non-coding transcript variant (3).
Genome position (GRCh38, 1-based): chr17:76,472,697, A>G on the plus strand (T>C on the coding strand, the complement: RHBDF2 is on the minus strand). VCF-style: chr17-76472697-A-G. GRCh37 (hg19) VCF-style: chr17-74468779-A-G.
Other names: c.2053T>C, p.Tyr685His (NM_001376228.1, NM_001376229.1, NM_001376230.1); c.2140T>C, p.Tyr714His (NM_024599.5); short protein forms Y685H, Y714H.
Identifiers: ClinVar variation 4804217 (VCV004804217.1).

ClinVar aggregate classification (germline): Uncertain significance (1 of 4 stars; one submission).

gnomAD v4.1: 2 of 1,614,046 alleles (0.00012%); highest among the groups gnomAD compares: Non-Finnish European, 0.00017%; no homozygotes.

Submission:

Labcorp Genetics (formerly Invitae), Labcorp
Classification: Uncertain significance. Last evaluated: 2025-09-13. Review status: criteria provided, single submitter. Criteria: Invitae Variant Classification Sherloc (09022015). Collection method: clinical testing. Allele origin: germline.
Comment: This sequence change replaces tyrosine, which is neutral and polar, with histidine, which is basic and polar, at codon 714 of the RHBDF2 protein (p.Tyr714His). This variant is not present in population databases (gnomAD no frequency). This variant has not been reported in the literature in individuals affected with RHBDF2-related conditions. An algorithm developed to predict the effect of missense changes on protein structure and function (PolyPhen-2) suggests that this variant is likely to be disruptive. In summary, the available evidence is currently insufficient to determine the role of this variant in disease. Therefore, it has been classified as a Variant of Uncertain Significance.